The following is an entry in ClinVar:

NM_002361.4(MAG):c.970+3G>A

Gene: MAG (myelin associated glycoprotein; plus strand). Cytogenetic location: 19q13.12.
Variant type: single nucleotide variant.
Coding change: c.970+3G>A on transcript NM_002361.4 (MANE Select); 3 bases into the intron after coding-DNA position 970, G replaced by A.
Molecular consequence: intron variant.
Genome position (GRCh38, 1-based): chr19:35,300,407, G>A. VCF-style: chr19-35300407-G-A. GRCh37 (hg19) VCF-style: chr19-35791310-G-A.
Other names: c.970+3G>A (NM_080600.3); c.895+3G>A (NM_001199216.2).
Identifiers: ClinVar variation 2154135 (VCV002154135.4), dbSNP rs1352712629, ClinGen allele CA633057362.

ClinVar aggregate classification (germline): Uncertain significance (1 of 4 stars; one submission).

Conditions:
Hereditary spastic paraplegia 75. Also called: Spastic paraplegia 75, autosomal recessive. Identifiers: Orphanet 459056, MedGen C4225250, MONDO:0014729, OMIM 616680.

Allele frequency attached by ClinVar (database versions not stated): gnomAD exomes below 0.00001; TOPMed below 0.00001.

Submission:

Labcorp Genetics (formerly Invitae), Labcorp
Classification: Uncertain significance for Hereditary spastic paraplegia 75. Last evaluated: 2024-01-08. Review status: criteria provided, single submitter. Criteria: Invitae Variant Classification Sherloc (09022015). Collection method: clinical testing. Allele origin: germline.
Comment: This sequence change falls in intron 6 of the MAG gene. It does not directly change the encoded amino acid sequence of the MAG protein. It affects a nucleotide within the consensus splice site. This variant is present in population databases (no rsID available, gnomAD 0.003%). This variant has not been reported in the literature in individuals affected with MAG-related conditions. ClinVar contains an entry for this variant (Variation ID: 2154135). Variants that disrupt the consensus splice site are a relatively common cause of aberrant splicing (PMID: 17576681, 9536098). Algorithms developed to predict the effect of sequence changes on RNA splicing suggest that this variant is not likely to affect RNA splicing. In summary, the available evidence is currently insufficient to determine the role of this variant in disease. Therefore, it has been classified as a Variant of Uncertain Significance.

Literature cited by the submitters: PubMed 17576681; PubMed 9536098.